The following is an entry in ClinVar:

NM_001042492.3(NF1):c.5166A>T (p.Glu1722Asp)

Gene: NF1 (neurofibromin 1; plus strand). Cytogenetic location: 17q11.2.
Variant type: single nucleotide variant.
Coding change: c.5166A>T on transcript NM_001042492.3 (MANE Select); coding-DNA position 5166, A replaced by T.
Protein change: p.Glu1722Asp; replaces glutamic acid 1722 with aspartic acid.
Molecular consequence: missense variant.
Genome position (GRCh38, 1-based): chr17:31,326,150, A>T. VCF-style: chr17-31326150-A-T. GRCh37 (hg19) VCF-style: chr17-29653168-A-T.
Other names: c.5103A>T, p.Glu1701Asp (NM_000267.4); short protein forms E1701D, E1722D.
Identifiers: ClinVar variation 970221 (VCV000970221.10), dbSNP rs1597830174, ClinGen allele CA399007880.

ClinVar aggregate classification (germline): Conflicting classifications of pathogenicity. Review status: criteria provided, conflicting classifications (1 of 4 stars). 2 submissions from 2 submitters: Uncertain significance (1); Likely benign (1). Last evaluated 2026-04-17.

Conditions:
Cardiovascular phenotype. Identifiers: MedGen CN230736.
Hereditary cancer-predisposing syndrome. Also called: Hereditary Cancer Syndrome; Neoplastic Syndromes, Hereditary; Tumor predisposition; Hereditary neoplastic syndrome. Identifiers: Orphanet 140162, MedGen C0027672, MeSH D009386, MONDO:0015356.
Neurofibromatosis, type 1 (NF1). Also called: Peripheral type neurofibromatosis; VON RECKLINGHAUSEN DISEASE; Neurofibromatosis, type I; NEUROFIBROMATOSIS, TYPE I, SOMATIC. Identifiers: Orphanet 636, MedGen C0027831, MONDO:0018975, OMIM 162200. Disease mechanism: loss of function.

Submissions (2):

Ambry Genetics
Classification: Likely benign for Cardiovascular phenotype; Hereditary cancer-predisposing syndrome. Last evaluated: 2026-04-17. Review status: criteria provided, single submitter. Criteria: Ambry Variant Classification Scheme 2023. Collection method: clinical testing. Allele origin: germline.

Labcorp Genetics (formerly Invitae), Labcorp
Classification: Uncertain significance for Neurofibromatosis, type 1. Last evaluated: 2024-02-02. Review status: criteria provided, single submitter. Criteria: Invitae Variant Classification Sherloc (09022015). Collection method: clinical testing. Allele origin: germline.
Comment: This sequence change replaces glutamic acid, which is acidic and polar, with aspartic acid, which is acidic and polar, at codon 1701 of the NF1 protein (p.Glu1701Asp). This variant is not present in population databases (gnomAD no frequency). This variant has not been reported in the literature in individuals affected with NF1-related conditions. ClinVar contains an entry for this variant (Variation ID: 970221). Algorithms developed to predict the effect of missense changes on protein structure and function output the following: SIFT: "Not Available"; PolyPhen-2: "Benign"; Align-GVGD: "Not Available". The aspartic acid amino acid residue is found in multiple mammalian species, which suggests that this missense change does not adversely affect protein function. In summary, the available evidence is currently insufficient to determine the role of this variant in disease. Therefore, it has been classified as a Variant of Uncertain Significance.